The following is an entry in ClinVar:

NM_002473.6(MYH9):c.4336T>G (p.Phe1446Val)

Gene: MYH9 (myosin heavy chain 9; minus strand). Cytogenetic location: 22q12.3.
Variant type: single nucleotide variant.
Coding change: c.4336T>G on transcript NM_002473.6 (MANE Select); coding-DNA position 4336, T replaced by G.
Protein change: p.Phe1446Val; replaces phenylalanine 1446 with valine.
Molecular consequence: missense variant.
Genome position (GRCh38, 1-based): chr22:36,291,994, A>C on the plus strand (T>G on the coding strand, the complement: MYH9 is on the minus strand). VCF-style: chr22-36291994-A-C. GRCh37 (hg19) VCF-style: chr22-36688040-A-C.
Other names: p.Phe1446Val; short protein forms F1446V.
Identifiers: ClinVar variation 4542447 (VCV004542447.1).

ClinVar aggregate classification (germline): Uncertain significance (1 of 4 stars; one submission).

gnomAD v4.1: 1 of 1,614,174 alleles (0.000062%); no homozygotes.

Submission:

Mayo Clinic Laboratories, Mayo Clinic
Classification: Uncertain significance. Last evaluated: 2024-12-11. Review status: criteria provided, single submitter. Criteria: ACMG Guidelines, 2015. Collection method: clinical testing. Allele origin: germline. Observed: 1 variant allele.
Comment: PP2, PP3_moderate, PM2_supporting